The following is an entry in ClinVar:

ClinVar aggregate classification (germline): Uncertain significance (1 of 4 stars; one submission).

gnomAD v4.1: 4 of 1,614,024 alleles (0.00025%); highest among the groups gnomAD compares: South Asian, 0.0011%; no homozygotes.

Submission:

Labcorp Genetics (formerly Invitae), Labcorp
Classification: Uncertain significance. Last evaluated: 2025-05-12. Review status: criteria provided, single submitter. Criteria: Invitae Variant Classification Sherloc (09022015). Collection method: clinical testing. Allele origin: germline.
Comment: This sequence change replaces glutamic acid, which is acidic and polar, with lysine, which is basic and polar, at codon 276 of the SLC1A3 protein (p.Glu276Lys). This variant is not present in population databases (gnomAD no frequency). This variant has not been reported in the literature in individuals affected with SLC1A3-related conditions. Invitae Evidence Modeling of protein sequence and biophysical properties (such as structural, functional, and spatial information, amino acid conservation, physicochemical variation, residue mobility, and thermodynamic stability) indicates that this missense variant is not expected to disrupt SLC1A3 protein function with a negative predictive value of 80%. In summary, the available evidence is currently insufficient to determine the role of this variant in disease. Therefore, it has been classified as a Variant of Uncertain Significance.

NM_004172.5(SLC1A3):c.826G>A (p.Glu276Lys)

Genes: SLC1A3 (solute carrier family 1 member 3; plus strand), SLC1A3-AS1 (SLC1A3 antisense RNA 1; minus strand). Cytogenetic location: 5p13.2.
Variant type: single nucleotide variant.
Coding change: c.826G>A on transcript NM_004172.5 (MANE Select); coding-DNA position 826, G replaced by A.
Protein change: p.Glu276Lys; replaces glutamic acid 276 with lysine.
Molecular consequence: missense variant. On other transcripts: intron variant (1).
Genome position (GRCh38, 1-based): chr5:36,677,150, G>A. VCF-style: chr5-36677150-G-A. GRCh37 (hg19) VCF-style: chr5-36677252-G-A.
Other names: c.826G>A, p.Glu276Lys (NM_001166695.3, NM_001438454.1, NM_001438455.1 and 4 more transcripts); c.688G>A, p.Glu230Lys (NM_001289939.2); c.544G>A, p.Glu182Lys (NM_001438460.1); c.526G>A, p.Glu176Lys (NM_001438461.1); c.505G>A, p.Glu169Lys (NM_001438462.1); c.525-2477G>A (NM_001289940.2); short protein forms E230K, E276K, E169K, E182K, E176K.
Identifiers: ClinVar variation 4702024 (VCV004702024.1).